The following is an entry in ClinVar:

ClinVar aggregate classification (germline): Likely benign. Review status: criteria provided, multiple submitters, no conflicts (2 of 4 stars). 2 submissions from 2 submitters: Likely benign (2). Last evaluated 2026-06-22.

Conditions:
Retinoblastoma (RB1). Also called: RETINOBLASTOMA, SOMATIC. Identifiers: Orphanet 790, MedGen C0035335, MeSH D012175, MONDO:0008380, OMIM 180200, HP:0009919. Disease mechanism: loss of function. Inheritance: Both sporadic and heritable forms are tested..

gnomAD v4.1: 8 of 1,607,048 alleles (0.0005%); highest among the groups gnomAD compares: African/African-American, 0.011%; no homozygotes.

Submissions (2):

Myriad Genetics, Inc.
Classification: Likely benign for Retinoblastoma. Last evaluated: 2026-06-22. Review status: criteria provided, single submitter. Criteria: Myriad Autosomal Dominant, Autosomal Recessive and X-Linked Classification Criteria (2023). Collection method: clinical testing. Allele origin: unknown.
Comment: This variant is considered likely benign. This variant is intronic and is not expected to impact mRNA splicing.

Labcorp Genetics (formerly Invitae), Labcorp
Classification: Likely benign for Retinoblastoma. Last evaluated: 2026-01-06. Review status: criteria provided, single submitter. Criteria: Invitae Variant Classification Sherloc (09022015). Collection method: clinical testing. Allele origin: germline.

NM_000321.3(RB1):c.2714-20G>C

Gene: RB1 (RB transcriptional corepressor 1; plus strand). Cytogenetic location: 13q14.2.
Variant type: single nucleotide variant.
Coding change: c.2714-20G>C on transcript NM_000321.3 (MANE Select); 20 bases into the intron before coding-DNA position 2714, G replaced by C.
Molecular consequence: intron variant.
Genome position (GRCh38, 1-based): chr13:48,479,978, G>C. VCF-style: chr13-48479978-G-C. GRCh37 (hg19) VCF-style: chr13-49054114-G-C.
Identifiers: ClinVar variation 1674543 (VCV001674543.9), dbSNP rs914574679, ClinGen allele CA249290267.